The following is an entry in ClinVar:

ClinVar aggregate classification (germline): Pathogenic (1 of 4 stars; one submission).

Conditions:
DICER1-related tumor predisposition. Also called: DICER1-related pleuropulmonary blastoma cancer predisposition syndrome; DICER1 syndrome. Identifiers: Orphanet 284343, MedGen C3839822, MONDO:0100216.

Submission:

Labcorp Genetics (formerly Invitae), Labcorp
Classification: Pathogenic for DICER1-related tumor predisposition. Last evaluated: 2023-09-19. Review status: criteria provided, single submitter. Criteria: Invitae Variant Classification Sherloc (09022015). Collection method: clinical testing. Allele origin: germline.
Comment: For these reasons, this variant has been classified as Pathogenic. This premature translational stop signal has been observed in individual(s) with DICER1-related conditions (PMID: 26925222). This variant is not present in population databases (gnomAD no frequency). This sequence change creates a premature translational stop signal (p.Trp1506*) in the DICER1 gene. It is expected to result in an absent or disrupted protein product. Loss-of-function variants in DICER1 are known to be pathogenic (PMID: 19556464, 21266384).

Literature cited by the submitters: PubMed 26925222; PubMed 19556464; PubMed 21266384.

NM_177438.3(DICER1):c.4518G>A (p.Trp1506Ter)

Gene: DICER1 (dicer 1, ribonuclease III; minus strand). Cytogenetic location: 14q32.13.
Variant type: single nucleotide variant.
Coding change: c.4518G>A on transcript NM_177438.3 (MANE Select); coding-DNA position 4518, G replaced by A.
Protein change: p.Trp1506Ter; replaces tryptophan 1506 with a stop codon.
Molecular consequence: nonsense. On other transcripts: non-coding transcript variant (6).
Genome position (GRCh38, 1-based): chr14:95,096,402, C>T on the plus strand (G>A on the coding strand, the complement: DICER1 is on the minus strand). VCF-style: chr14-95096402-C-T. GRCh37 (hg19) VCF-style: chr14-95562739-C-T.
Other names: c.4518G>A, p.Trp1506Ter (NM_001195573.1, NM_001271282.3, NM_001291628.2 and 13 more transcripts); c.4236G>A, p.Trp1412Ter (NM_001395686.1); c.4113G>A, p.Trp1371Ter (NM_001395687.1, NM_001395688.1, NM_001395689.1 and 2 more transcripts); c.3951G>A, p.Trp1317Ter (NM_001395691.1); c.2835G>A, p.Trp945Ter (NM_001395697.1); short protein forms W1371*, W1317*, W1412*, W1506*, W945*.
Identifiers: ClinVar variation 2761706 (VCV002761706.3), dbSNP rs2139848791, ClinGen allele CA390867996.